The following is an entry in ClinVar:

ClinVar aggregate classification (germline): Pathogenic. Review status: criteria provided, multiple submitters, no conflicts (2 of 4 stars). 3 submissions from 3 submitters: Pathogenic (3). Last evaluated 2025-12-08.

Conditions:
Glycogen storage disease type III (GSD3). Also called: Cori disease; FORBES DISEASE. Identifiers: Orphanet 366, MedGen C0017922, MONDO:0009291, OMIM 232400.

Allele frequency attached by ClinVar (database versions not stated): gnomAD exomes below 0.00001; TOPMed below 0.00001.

Submissions (3):

Labcorp Genetics (formerly Invitae), Labcorp
Classification: Pathogenic for Glycogen storage disease type III. Last evaluated: 2025-12-08. Review status: criteria provided, single submitter. Criteria: Invitae Variant Classification Sherloc (09022015). Collection method: clinical testing. Allele origin: germline.
Comment: This sequence change creates a premature translational stop signal (p.Arg898Profs*3) in the AGL gene. It is expected to result in an absent or disrupted protein product. Loss-of-function variants in AGL are known to be pathogenic (PMID: 19299494). This variant is not present in population databases (gnomAD no frequency). This variant has not been reported in the literature in individuals affected with AGL-related conditions. ClinVar contains an entry for this variant (Variation ID: 2421552). Algorithms developed to predict the effect of sequence changes on RNA splicing suggest that this variant may create or strengthen a splice site. For these reasons, this variant has been classified as Pathogenic.

Genome-Nilou Lab
Classification: Pathogenic for Glycogen storage disease type III. Last evaluated: 2023-04-11. Review status: criteria provided, single submitter. Criteria: ACMG Guidelines, 2015. Collection method: clinical testing. Allele origin: germline. Affected: no.

Baylor Genetics
Classification: Pathogenic for Glycogen storage disease type III. Last evaluated: 2021-02-01. Review status: criteria provided, single submitter. Criteria: ACMG Guidelines, 2015. Collection method: clinical testing. Allele origin: unknown.

Literature cited by the submitters: PubMed 19299494 (cited by Labcorp Genetics (formerly Invitae), Labcorp).

NM_000642.3(AGL):c.2690_2691dup (p.Arg898fs)

Gene: AGL (amylo-alpha-1,6-glucosidase and 4-alpha-glucanotransferase; plus strand). Cytogenetic location: 1p21.2.
Variant type: Duplication.
Coding change: c.2690_2691dup on transcript NM_000642.3 (MANE Select); coding-DNA positions 2690 to 2691, 2 bases duplicated (CC; older notation c.2690_2691dupCC).
Protein change: p.Arg898fs; shifts the reading frame from arginine 898.
Molecular consequence: frameshift variant.
Genome position (GRCh38, 1-based): chr1:99,887,986-99,887,987, CC duplicated. VCF-style (leftmost placement, unchanged base first): chr1-99887985-T-TCC. GRCh37 (hg19) VCF-style: chr1-100353541-T-TCC.
Other names: c.2690_2691dup, p.Arg898Profs (NM_000028.3, NM_000643.3, NM_000644.3 and 2 more transcripts); c.2642_2643dup, p.Arg882Profs (NM_000646.3); c.2489_2490dup, p.Arg831Profs (NM_001425327.1); c.2486_2487dup, p.Arg830Profs (NM_001425328.1); c.2351_2352dup, p.Arg785Profs (NM_001425329.1); c.2312_2313dup, p.Arg772Profs (NM_001425332.1); short protein forms R882fs, R898fs.
Identifiers: ClinVar variation 2421552 (VCV002421552.8), dbSNP rs1652577586, ClinGen allele CA1183931927.